The following is an entry in ClinVar:

ClinVar aggregate classification (germline): Uncertain significance (1 of 4 stars; one submission).

Conditions:
Developmental and epileptic encephalopathy, 12 (DEE12). Identifiers: MedGen C3150988, MONDO:0013389, OMIM 613722.

Submission:

Labcorp Genetics (formerly Invitae), Labcorp
Classification: Uncertain significance for Developmental and epileptic encephalopathy, 12. Last evaluated: 2022-03-04. Review status: criteria provided, single submitter. Criteria: Invitae Variant Classification Sherloc (09022015). Collection method: clinical testing. Allele origin: germline.
Comment: This sequence change replaces asparagine, which is neutral and polar, with lysine, which is basic and polar, at codon 218 of the PLCB1 protein (p.Asn218Lys). This variant is not present in population databases (gnomAD no frequency). This variant has not been reported in the literature in individuals affected with PLCB1-related conditions. Algorithms developed to predict the effect of missense changes on protein structure and function (SIFT, PolyPhen-2, Align-GVGD) all suggest that this variant is likely to be tolerated. In summary, the available evidence is currently insufficient to determine the role of this variant in disease. Therefore, it has been classified as a Variant of Uncertain Significance.

NM_015192.4(PLCB1):c.654C>A (p.Asn218Lys)

Gene: PLCB1 (phospholipase C beta 1; plus strand). Cytogenetic location: 20p12.3.
Variant type: single nucleotide variant.
Coding change: c.654C>A on transcript NM_015192.4 (MANE Select); coding-DNA position 654, C replaced by A.
Protein change: p.Asn218Lys; replaces asparagine 218 with lysine.
Molecular consequence: missense variant.
Genome position (GRCh38, 1-based): chr20:8,657,243, C>A. VCF-style: chr20-8657243-C-A. GRCh37 (hg19) VCF-style: chr20-8637890-C-A.
Other names: c.654C>A, p.Asn218Lys (NM_182734.3); short protein forms N218K.
Identifiers: ClinVar variation 2106525 (VCV002106525.1), dbSNP rs2515179482, ClinGen allele CA408263928.